The following is an entry in ClinVar:

ClinVar aggregate classification (germline): Pathogenic (1 of 4 stars; one submission).

Conditions:
Gorlin syndrome. Also called: Nevoid Basal Cell Carcinoma Syndrome; Basal cell nevus syndrome. Identifiers: Orphanet 377, MedGen C0004779, MONDO:0007187.

Submission:

Labcorp Genetics (formerly Invitae), Labcorp
Classification: Pathogenic for Gorlin syndrome. Last evaluated: 2021-07-22. Review status: criteria provided, single submitter. Criteria: Invitae Variant Classification Sherloc (09022015). Collection method: clinical testing. Allele origin: germline.
Comment: For these reasons, this variant has been classified as Pathogenic. Loss-of-function variants in PTCH1 are known to be pathogenic (PMID: 16301862, 16419085). This variant has not been reported in the literature in individuals with PTCH1-related conditions. This variant is not present in population databases (ExAC no frequency). This sequence change creates a premature translational stop signal (p.Asn828Lysfs*2) in the PTCH1 gene. It is expected to result in an absent or disrupted protein product.

Literature cited by the submitters: PubMed 16301862; PubMed 16419085.

NM_000264.5(PTCH1):c.2484del (p.Asn828fs)

Genes: PTCH1 (patched 1; minus strand), LOC100507346 (uncharacterized LOC100507346; plus strand). Cytogenetic location: 9q22.32.
Variant type: Deletion.
Coding change: c.2484del on transcript NM_000264.5 (MANE Select); coding-DNA position 2484, one base deleted (C; older notation c.2484delC).
Protein change: p.Asn828fs; shifts the reading frame from asparagine 828.
Molecular consequence: frameshift variant. On other transcripts: non-coding transcript variant (2).
Genome position (GRCh38, 1-based): chr9:95,467,192, G deleted on the plus strand (C on the coding strand, the reverse complement: PTCH1 is on the minus strand). VCF-style (leftmost placement, unchanged base first): chr9-95467191-CG-C. GRCh37 (hg19) VCF-style: chr9-98229473-CG-C.
Other names: c.2286del, p.Asn762fs (NM_001083602.3); c.2481del, p.Asn827fs (NM_001083603.3); c.2031del, p.Asn677fs (NM_001083604.3, NM_001083605.3, NM_001083606.3 and 1 more transcripts); c.2328del, p.Asn776fs (NM_001354918.2); short protein forms N677fs, N762fs, N776fs, N827fs, N828fs.
Identifiers: ClinVar variation 1070252 (VCV001070252.7), dbSNP rs2117953276, ClinGen allele CA2499220042.